The following is an entry in ClinVar:

NM_006662.3(SRCAP):c.739C>G (p.Leu247Val)

Gene: SRCAP (Snf2 related CREBBP activator protein; plus strand). Cytogenetic location: 16p11.2.
Variant type: single nucleotide variant.
Coding change: c.739C>G on transcript NM_006662.3 (MANE Select); coding-DNA position 739, C replaced by G.
Protein change: p.Leu247Val; replaces leucine 247 with valine.
Molecular consequence: missense variant.
Genome position (GRCh38, 1-based): chr16:30,709,618, C>G. VCF-style: chr16-30709618-C-G. GRCh37 (hg19) VCF-style: chr16-30720939-C-G.
Other names: short protein forms L247V.
Identifiers: ClinVar variation 3343625 (VCV003343625.1).
Genomic context (GRCh38, chr16:30,709,618, plus strand): 5'-AAAGCCCTGGACCTGCATTTGGACTTCATTGTGGGGCAAACTGAAAAGTACTCGGACCTT[C>G]TGTCTCAGAGCCTCAACCAGCCATTAACCTCCAGCAAAGCAGGCTCTTCCCCTTGCCTCG-3'
Protein context (NP_006653.2, residues 237-257): VGQTEKYSDL[Leu247Val]SQSLNQPLTS

ClinVar aggregate classification (germline): Uncertain significance (1 of 4 stars; one submission).

Submission:

GeneDx
Classification: Uncertain significance. Last evaluated: 2023-05-21. Review status: criteria provided, single submitter. Criteria: GeneDx Variant Classification Process June 2021. Collection method: clinical testing. Allele origin: germline. Affected: yes.
Comment: Not observed at significant frequency in large population cohorts (gnomAD); In silico analysis supports that this missense variant has a deleterious effect on protein structure/function; Has not been previously published as pathogenic or benign to our knowledge